The following is an entry in ClinVar:

NM_000191.3(HMGCL):c.806C>T (p.Ala269Val)

Gene: HMGCL (3-hydroxy-3-methylglutaryl-CoA lyase; minus strand). Cytogenetic location: 1p36.11.
Variant type: single nucleotide variant.
Coding change: c.806C>T on transcript NM_000191.3 (MANE Select); coding-DNA position 806, C replaced by T.
Protein change: p.Ala269Val; replaces alanine 269 with valine.
Molecular consequence: missense variant.
Genome position (GRCh38, 1-based): chr1:23,804,470, G>A on the plus strand (C>T on the coding strand, the complement: HMGCL is on the minus strand). VCF-style: chr1-23804470-G-A. GRCh37 (hg19) VCF-style: chr1-24130960-G-A.
Other names: c.593C>T, p.Ala198Val (NM_001166059.2); short protein forms A269V, A198V.
Identifiers: ClinVar variation 2154799 (VCV002154799.1), dbSNP rs761552111, ClinGen allele CA685907.

ClinVar aggregate classification (germline): Uncertain significance (1 of 4 stars; one submission).

Conditions:
Deficiency of hydroxymethylglutaryl-CoA lyase (HMGCLD). Also called: HMG-CoA LYASE DEFICIENCY; HMGCL DEFICIENCY; HYDROXYMETHYLGLUTARIC ACIDURIA; Defect in leucine metabolism; 3-hydroxy-3-methylglutaric aciduria. Identifiers: Orphanet 20, MedGen C1533587, MONDO:0009520, OMIM 246450.

Allele frequency attached by ClinVar (database versions not stated): gnomAD exomes below 0.00001; ExAC 0.00001.
gnomAD v4.1: 7 of 1,614,058 alleles (0.00043%); highest among the groups gnomAD compares: Non-Finnish European, 0.00051%; no homozygotes.

Submission:

Labcorp Genetics (formerly Invitae), Labcorp
Classification: Uncertain significance for Deficiency of hydroxymethylglutaryl-CoA lyase. Last evaluated: 2021-08-28. Review status: criteria provided, single submitter. Criteria: Invitae Variant Classification Sherloc (09022015). Collection method: clinical testing. Allele origin: germline.
Comment: This sequence change replaces alanine with valine at codon 269 of the HMGCL protein (p.Ala269Val). The alanine residue is highly conserved and there is a small physicochemical difference between alanine and valine. This variant is present in population databases (rs761552111, ExAC 0.002%). This variant has not been reported in the literature in individuals affected with HMGCL-related conditions. Algorithms developed to predict the effect of missense changes on protein structure and function (SIFT, PolyPhen-2, Align-GVGD) all suggest that this variant is likely to be disruptive. In summary, the available evidence is currently insufficient to determine the role of this variant in disease. Therefore, it has been classified as a Variant of Uncertain Significance.